The following is an entry in ClinVar:

ClinVar aggregate classification (germline): Uncertain significance (1 of 4 stars; one submission).

Conditions:
Neurofibromatosis, type 1 (NF1). Also called: VON RECKLINGHAUSEN DISEASE; Peripheral type neurofibromatosis; Neurofibromatosis, type I; NEUROFIBROMATOSIS, TYPE I, SOMATIC. Identifiers: Orphanet 636, MedGen C0027831, MONDO:0018975, OMIM 162200. Disease mechanism: loss of function.

Submission:

Institute of Human Genetics, University of Leipzig Medical Center
Classification: Uncertain significance for Neurofibromatosis, type 1. Last evaluated: 2024-10-01. Review status: criteria provided, single submitter. Criteria: ACMG Guidelines, 2015. Collection method: clinical testing. Allele origin: unknown. Inheritance: Autosomal dominant inheritance. Affected: yes.
Comment: Criteria applied: PM2,PP3,PP4

NM_001042492.3(NF1):c.1527+1187C>G

Gene: NF1 (neurofibromin 1; plus strand). Cytogenetic location: 17q11.2.
Variant type: single nucleotide variant.
Coding change: c.1527+1187C>G on transcript NM_001042492.3 (MANE Select); 1187 bases into the intron after coding-DNA position 1527, C replaced by G.
Molecular consequence: intron variant.
Genome position (GRCh38, 1-based): chr17:31,215,772, C>G. VCF-style: chr17-31215772-C-G. GRCh37 (hg19) VCF-style: chr17-29542790-C-G.
Other names: c.1527+1187C>G (NM_000267.4, NM_001128147.3).
Identifiers: ClinVar variation 3359090 (VCV003359090.2).
Genomic context (GRCh38, chr17:31,215,772, plus strand): 5'-AGCTTCTTCAGTCCCTGGAGAGCAGCATCAAGCAAGGTTTCTTATCGTTTTGCTCAGTAA[C>G]TGGCTTTTTAAAAAGTGTTAAGGTGCTTTCGATTTTGGTGGCATATTTTTTAAATTACTG-3'